The following is an entry in ClinVar:

NM_007194.4(CHEK2):c.1542+1G>T

Gene: CHEK2 (checkpoint kinase 2; minus strand). Cytogenetic location: 22q12.1.
Variant type: single nucleotide variant.
Coding change: c.1542+1G>T on transcript NM_007194.4 (MANE Select); the canonical splice donor site of the intron after coding-DNA position 1542, G replaced by T.
Molecular consequence: splice donor variant.
Genome position (GRCh38, 1-based): chr22:28,689,134, C>A on the plus strand (G>T on the coding strand, the complement: CHEK2 is on the minus strand). VCF-style: chr22-28689134-C-A. GRCh37 (hg19) VCF-style: chr22-29085122-C-A.
Other names: c.879+1G>T (NM_001437942.1, NM_001257387.3); c.1341+1G>T (NM_001349956.3); c.1455+1G>T (NM_145862.3); c.1548+1G>T (NM_001438295.1); c.1635+1G>T (NM_001438293.1); c.1584+1G>T (NM_001438294.1); c.1671+1G>T (NM_001005735.3).
Identifiers: ClinVar variation 4227996 (VCV004227996.1).

ClinVar aggregate classification (germline): Uncertain significance (1 of 4 stars; one submission).

Conditions:
Hereditary cancer-predisposing syndrome. Also called: Hereditary Cancer Syndrome; Hereditary neoplastic syndrome; Neoplastic Syndromes, Hereditary; Tumor predisposition. Identifiers: Orphanet 140162, MedGen C0027672, MeSH D009386, MONDO:0015356.

Submission:

Ambry Genetics
Classification: Uncertain significance for Hereditary cancer-predisposing syndrome. Last evaluated: 2025-06-26. Review status: criteria provided, single submitter. Criteria: Ambry Variant Classification Scheme 2023. Collection method: clinical testing. Allele origin: germline.
Comment: The c.1542+1G>T intronic variant results from a G to T substitution one nucleotide after coding exon 13 of the CHEK2 gene. Alterations that disrupt the canonical splice site are expected to cause aberrant splicing. This nucleotide position is highly conserved in available vertebrate species. In silico splice site analysis predicts that this alteration will weaken the native splice donor site and will result in the creation or strengthening of a novel splice donor site. A resulting transcript is predicted to be in-frame and is not expected to trigger nonsense-mediated mRNA decay; although, direct evidence is insufficient at this time. Based on the available evidence, the clinical significance of this variant remains unclear.